The following is an entry in ClinVar:

NM_207122.2(EXT2):c.1132C>T (p.Gln378Ter)

Gene: EXT2 (exostosin glycosyltransferase 2; plus strand). Cytogenetic location: 11p11.2.
Variant type: single nucleotide variant.
Coding change: c.1132C>T on transcript NM_207122.2 (MANE Select); coding-DNA position 1132, C replaced by T.
Protein change: p.Gln378Ter; replaces glutamine 378 with a stop codon.
Molecular consequence: nonsense.
Genome position (GRCh38, 1-based): chr11:44,130,097, C>T. VCF-style: chr11-44130097-C-T. GRCh37 (hg19) VCF-style: chr11-44151647-C-T.
Other names: c.1231C>T, p.Gln411Ter (NM_000401.3); c.1132C>T, p.Gln378Ter (NM_001178083.3, NM_001389628.1, NM_001389630.1); short protein forms Q378*, Q411*.
Identifiers: ClinVar variation 534140 (VCV000534140.9), dbSNP rs1555006433, ClinGen allele CA380170383.

ClinVar aggregate classification (germline): Pathogenic (1 of 4 stars; one submission).

Conditions:
Exostoses, multiple, type 2 (EXT2). Also called: Hereditary Multiple Osteochondromatosis, Type II; EXOSTOSES, MULTIPLE, TYPE II. Identifiers: Orphanet 321, MedGen C1851413, MONDO:0007586, OMIM 133701.

Submission:

Labcorp Genetics (formerly Invitae), Labcorp
Classification: Pathogenic for Exostoses, multiple, type 2. Last evaluated: 2023-12-26. Review status: criteria provided, single submitter. Criteria: Invitae Variant Classification Sherloc (09022015). Collection method: clinical testing. Allele origin: germline.
Comment: This sequence change creates a premature translational stop signal (p.Gln378*) in the EXT2 gene. It is expected to result in an absent or disrupted protein product. Loss-of-function variants in EXT2 are known to be pathogenic (PMID: 10679937, 19810120). This variant is not present in population databases (gnomAD no frequency). This variant has not been reported in the literature in individuals affected with EXT2-related conditions. ClinVar contains an entry for this variant (Variation ID: 534140). For these reasons, this variant has been classified as Pathogenic.

Literature cited by the submitters: PubMed 10679937; PubMed 19810120.